The following is an entry in ClinVar:

NM_000089.4(COL1A2):c.2844C>T (p.Arg948=)

Gene: COL1A2 (collagen type I alpha 2 chain; plus strand). Cytogenetic location: 7q21.3.
Variant type: single nucleotide variant.
Coding change: c.2844C>T on transcript NM_000089.4 (MANE Select); coding-DNA position 2844, C replaced by T.
Protein change: p.Arg948=; no amino-acid change (arginine 948 retained).
Molecular consequence: synonymous variant.
Genome position (GRCh38, 1-based): chr7:94,425,758, C>T. VCF-style: chr7-94425758-C-T. GRCh37 (hg19) VCF-style: chr7-94055070-C-T.
Identifiers: ClinVar variation 764415 (VCV000764415.16), dbSNP rs772555004, ClinGen allele CA162939884.
Genomic context (GRCh38, chr7:94,425,758, plus strand): 5'-GTGATTAAAATGCAACCCAGATTGATGCTAAGCTTCATTTTGCCTTTGGTAGGGAGAGCG[C>T]GGTTACCCTGGCAATATTGGTCCCGTTGGTGCTGCAGGTGCACCTGGTCCTCATGGCCCC-3'
Protein context (NP_000080.2, residues 938-958): RDGQPGHKGE[Arg948=]GYPGNIGPVG

ClinVar aggregate classification (germline): Likely benign. Review status: criteria provided, multiple submitters, no conflicts (2 of 4 stars). 4 submissions from 4 submitters: Likely benign (3). 1 of the submissions does not count toward it. Last evaluated 2025-03-14.

Conditions:
COL1A2-related disorder. Also called: COL1A2-related condition; COL1A2-Related Disorders.
Osteogenesis imperfecta type I (OI1). Also called: OI, TYPE I; OSTEOGENESIS IMPERFECTA TARDA; OSTEOGENESIS IMPERFECTA WITH BLUE SCLERAE; Classic Non-deforming Osteogenesis Imperfecta with Blue Sclerae; Osteogenesis imperfecta type 1; Lobstein disease. Identifiers: Orphanet 216796, Orphanet 666, MedGen C0023931, MONDO:0008146, OMIM 166200. Disease mechanism: loss of function.
Ehlers-Danlos syndrome, classic type, 1 (EDSCL1). Also called: Ehlers-Danlos Syndrome, Classic Type, COL5A1-Related; EHLERS-DANLOS SYNDROME, GRAVIS TYPE; EHLERS-DANLOS SYNDROME, SEVERE CLASSIC TYPE; EDS I; Ehlers-Danlos syndrome, type 1. Identifiers: MedGen C0268335, MONDO:0019567, OMIM 130000.

Allele frequency attached by ClinVar (database versions not stated): gnomAD exomes below 0.00001 and 0.00001; TOPMed below 0.00001.
gnomAD v4.1: 15 of 1,613,616 alleles (0.00093%); highest among the groups gnomAD compares: Middle Eastern, 0.016%; no homozygotes.

Submissions (4):

Women's Health and Genetics/Laboratory Corporation of America, LabCorp
Classification: Likely benign. Last evaluated: 2025-03-14. Review status: criteria provided, single submitter. Criteria: LabCorp Variant Classification Summary - May 2015. Collection method: clinical testing. Allele origin: germline.

Blueprint Genetics
Classification: Likely benign. Last evaluated: 2023-09-01. Review status: criteria provided, single submitter. Criteria: ACMG Guidelines, 2015. Collection method: clinical testing. Allele origin: germline.

Labcorp Genetics (formerly Invitae), Labcorp
Classification: Likely benign for Osteogenesis imperfecta type I; Ehlers-Danlos syndrome, classic type, 1. Last evaluated: 2023-01-04. Review status: criteria provided, single submitter. Criteria: Invitae Variant Classification Sherloc (09022015). Collection method: clinical testing. Allele origin: germline.

PreventionGenetics, part of Exact Sciences
Classification: Likely benign for COL1A2-related condition. Last evaluated: 2019-06-27. Review status: no assertion criteria provided. Collection method: clinical testing. Allele origin: germline. Not counted in ClinVar's aggregate classification.
Comment: This variant is classified as likely benign based on ACMG/AMP sequence variant interpretation guidelines (Richards et al. 2015 PMID: 25741868, with internal and published modifications).